The following is an entry in ClinVar:

ClinVar aggregate classification (germline): Uncertain significance (1 of 4 stars; one submission).

Allele frequency attached by ClinVar (database versions not stated): TOPMed 0.00001.

Submission:

Labcorp Genetics (formerly Invitae), Labcorp
Classification: Uncertain significance. Last evaluated: 2021-11-12. Review status: criteria provided, single submitter. Criteria: Invitae Variant Classification Sherloc (09022015). Collection method: clinical testing. Allele origin: germline.
Comment: This variant has not been reported in the literature in individuals affected with SLC24A1-related conditions. In summary, the available evidence is currently insufficient to determine the role of this variant in disease. Therefore, it has been classified as a Variant of Uncertain Significance. Algorithms developed to predict the effect of sequence changes on RNA splicing suggest that this variant may create or strengthen a splice site. Algorithms developed to predict the effect of missense changes on protein structure and function are either unavailable or do not agree on the potential impact of this missense change (SIFT: "Tolerated"; PolyPhen-2: "Possibly Damaging"; Align-GVGD: "Class C0"). ClinVar contains an entry for this variant (Variation ID: 938598). This variant is not present in population databases (gnomAD no frequency). This sequence change replaces serine, which is neutral and polar, with glycine, which is neutral and non-polar, at codon 113 of the SLC24A1 protein (p.Ser113Gly).

NM_004727.3(SLC24A1):c.337A>G (p.Ser113Gly)

Gene: SLC24A1 (solute carrier family 24 member 1; plus strand). Cytogenetic location: 15q22.31.
Variant type: single nucleotide variant.
Coding change: c.337A>G on transcript NM_004727.3 (MANE Select); coding-DNA position 337, A replaced by G.
Protein change: p.Ser113Gly; replaces serine 113 with glycine.
Molecular consequence: missense variant.
Genome position (GRCh38, 1-based): chr15:65,624,417, A>G. VCF-style: chr15-65624417-A-G. GRCh37 (hg19) VCF-style: chr15-65916755-A-G.
Other names: c.337A>G, p.Ser113Gly (NM_001301031.1, NM_001301032.1, NM_001301033.2); short protein forms S113G.
Identifiers: ClinVar variation 938598 (VCV000938598.7), dbSNP rs2074428169, ClinGen allele CA392913358.